The following is an entry in ClinVar:

NM_020207.7(ERCC6L2):c.3361A>G (p.Ile1121Val)

Gene: ERCC6L2 (ERCC excision repair 6 like 2; plus strand). Cytogenetic location: 9q22.32.
Variant type: single nucleotide variant.
Coding change: c.3361A>G on transcript NM_020207.7 (MANE Select); coding-DNA position 3361, A replaced by G.
Protein change: p.Ile1121Val; replaces isoleucine 1121 with valine.
Molecular consequence: missense variant. On other transcripts: non-coding transcript variant (1).
Genome position (GRCh38, 1-based): chr9:95,978,084, A>G. VCF-style: chr9-95978084-A-G. GRCh37 (hg19) VCF-style: chr9-98740366-A-G.
Other names: c.3361A>G, p.Ile1121Val (NM_001375291.1, NM_001375292.1, NM_001375293.1 and 1 more transcripts); short protein forms I1121V.
Identifiers: ClinVar variation 2009524 (VCV002009524.1), dbSNP rs1260839254, ClinGen allele CA466113259.

ClinVar aggregate classification (germline): Uncertain significance (1 of 4 stars; one submission).

Allele frequency attached by ClinVar (database versions not stated): gnomAD exomes below 0.00001.
gnomAD v4.1: 2 of 1,367,150 alleles (0.00015%); highest among the groups gnomAD compares: Non-Finnish European, 0.0002%; no homozygotes.

Submission:

Labcorp Genetics (formerly Invitae), Labcorp
Classification: Uncertain significance. Last evaluated: 2022-06-23. Review status: criteria provided, single submitter. Criteria: Invitae Variant Classification Sherloc (09022015). Collection method: clinical testing. Allele origin: germline.
Comment: This sequence change replaces isoleucine, which is neutral and non-polar, with valine, which is neutral and non-polar, at codon 1132 of the ERCC6L2 protein (p.Ile1132Val). This variant is not present in population databases (gnomAD no frequency). This variant has not been reported in the literature in individuals affected with ERCC6L2-related conditions. Algorithms developed to predict the effect of missense changes on protein structure and function are either unavailable or do not agree on the potential impact of this missense change (SIFT: "Tolerated"; PolyPhen-2: "Not Available"; Align-GVGD: "Class C0"). In summary, the available evidence is currently insufficient to determine the role of this variant in disease. Therefore, it has been classified as a Variant of Uncertain Significance.